The following is an entry in ClinVar:

ClinVar aggregate classification (germline): Uncertain significance. Review status: criteria provided, multiple submitters, no conflicts (2 of 4 stars). 3 submissions from 3 submitters: Uncertain significance (3). Last evaluated 2025-08-28.

Conditions:
Hereditary pheochromocytoma and paraganglioma. Also called: Hereditary pheochromocytoma-paraganglioma; Hereditary Paraganglioma-Pheochromocytoma Syndromes; Hereditary paragangliomas and pheochromocytomas. Identifiers: Orphanet 29072, MedGen C4274332, MONDO:0017366.
Hereditary cancer-predisposing syndrome. Also called: Hereditary neoplastic syndrome; Hereditary Cancer Syndrome; Tumor predisposition; Neoplastic Syndromes, Hereditary. Identifiers: Orphanet 140162, MedGen C0027672, MeSH D009386, MONDO:0015356.

Submissions (3):

Labcorp Genetics (formerly Invitae), Labcorp
Classification: Uncertain significance for Hereditary pheochromocytoma and paraganglioma. Last evaluated: 2025-08-28. Review status: criteria provided, single submitter. Criteria: Invitae Variant Classification Sherloc (09022015). Collection method: clinical testing. Allele origin: germline.
Comment: This sequence change replaces proline, which is neutral and non-polar, with threonine, which is neutral and polar, at codon 53 of the SDHAF2 protein (p.Pro53Thr). This variant is not present in population databases (gnomAD no frequency). This variant has not been reported in the literature in individuals affected with SDHAF2-related conditions. ClinVar contains an entry for this variant (Variation ID: 1003627). An algorithm developed to predict the effect of missense changes on protein structure and function (PolyPhen-2) suggests that this variant is likely to be tolerated. In summary, the available evidence is currently insufficient to determine the role of this variant in disease. Therefore, it has been classified as a Variant of Uncertain Significance.

Ambry Genetics
Classification: Uncertain significance for Hereditary cancer-predisposing syndrome. Last evaluated: 2025-02-24. Review status: criteria provided, single submitter. Criteria: Ambry Variant Classification Scheme 2023. Collection method: clinical testing. Allele origin: germline.
Comment: The p.P53T variant (also known as c.157C>A), located in coding exon 2 of the SDHAF2 gene, results from a C to A substitution at nucleotide position 157. The proline at codon 53 is replaced by threonine, an amino acid with highly similar properties. This amino acid position is conserved. In addition, the in silico prediction for this alteration is inconclusive. Based on the available evidence, the clinical significance of this variant remains unclear.

All of Us Research Program, National Institutes of Health
Classification: Uncertain significance for Hereditary pheochromocytoma and paraganglioma. Last evaluated: 2023-05-31. Review status: criteria provided, single submitter. Criteria: ACMG Guidelines, 2015. Collection method: clinical testing. Allele origin: germline. Inheritance: Autosomal dominant inheritance. Observed: 1 variant allele, 1 heterozygote.
Comment: This study involves interpretation of variants in research participants for the purpose of population health screening. Participant phenotype was not available at the time of variant classification. Additional details can be found in publication PMID: 35346344, PMCID: PMC8962531

NM_017841.4(SDHAF2):c.157C>A (p.Pro53Thr)

Gene: SDHAF2 (succinate dehydrogenase complex assembly factor 2; plus strand). Cytogenetic location: 11q12.2.
Variant type: single nucleotide variant.
Coding change: c.157C>A on transcript NM_017841.4 (MANE Select); coding-DNA position 157, C replaced by A.
Protein change: p.Pro53Thr; replaces proline 53 with threonine.
Molecular consequence: missense variant.
Genome position (GRCh38, 1-based): chr11:61,437,745, C>A. VCF-style: chr11-61437745-C-A. GRCh37 (hg19) VCF-style: chr11-61205217-C-A.
Other names: c.157C>A (NM_017841.2); short protein forms P53T.
Identifiers: ClinVar variation 1003627 (VCV001003627.10), dbSNP rs1060503390, ClinGen allele CA380683382.